The following is an entry in ClinVar:

ClinVar aggregate classification (germline): Conflicting classifications of pathogenicity. Review status: criteria provided, conflicting classifications (1 of 4 stars). 2 submissions from 2 submitters: Uncertain significance (1); Likely benign (1). Last evaluated 2024-10-24.

Conditions:
Inborn genetic diseases. Identifiers: MedGen C0950123, MeSH D030342.

Allele frequency attached by ClinVar (database versions not stated): ExAC 0.00001; gnomAD 0.00001; gnomAD exomes 0.00002.
gnomAD v4.1: 25 of 1,614,098 alleles (0.0015%); highest among the groups gnomAD compares: South Asian, 0.026%; no homozygotes.

Submissions (2):

Ambry Genetics
Classification: Likely benign for Inborn genetic diseases. Last evaluated: 2024-10-24. Review status: criteria provided, single submitter. Criteria: Ambry Variant Classification Scheme 2023. Collection method: clinical testing. Allele origin: germline.

Labcorp Genetics (formerly Invitae), Labcorp
Classification: Uncertain significance. Last evaluated: 2024-03-04. Review status: criteria provided, single submitter. Criteria: Invitae Variant Classification Sherloc (09022015). Collection method: clinical testing. Allele origin: germline.
Comment: This sequence change replaces glycine, which is neutral and non-polar, with aspartic acid, which is acidic and polar, at codon 706 of the KCNQ5 protein (p.Gly706Asp). This variant is present in population databases (rs750872620, gnomAD 0.02%). This variant has not been reported in the literature in individuals affected with KCNQ5-related conditions. ClinVar contains an entry for this variant (Variation ID: 1957655). An algorithm developed to predict the effect of missense changes on protein structure and function (PolyPhen-2) suggests that this variant is likely to be disruptive. In summary, the available evidence is currently insufficient to determine the role of this variant in disease. Therefore, it has been classified as a Variant of Uncertain Significance.

NM_019842.4(KCNQ5):c.2060G>A (p.Gly687Asp)

Gene: KCNQ5 (potassium voltage-gated channel subfamily Q member 5; plus strand). Cytogenetic location: 6q13.
Variant type: single nucleotide variant.
Coding change: c.2060G>A on transcript NM_019842.4 (MANE Select); coding-DNA position 2060, G replaced by A.
Protein change: p.Gly687Asp; replaces glycine 687 with aspartic acid.
Molecular consequence: missense variant.
Genome position (GRCh38, 1-based): chr6:73,194,675, G>A. VCF-style: chr6-73194675-G-A. GRCh37 (hg19) VCF-style: chr6-73904398-G-A.
Other names: c.2117G>A (NM_001160133.1); c.2033G>A, p.Gly678Asp (NM_001160130.2); c.2090G>A, p.Gly697Asp (NM_001160132.2); c.2117G>A, p.Gly706Asp (NM_001160133.2); c.1730G>A, p.Gly577Asp (NM_001160134.2); short protein forms G687D, G706D, G577D, G678D, G697D.
Identifiers: ClinVar variation 1957655 (VCV001957655.6), dbSNP rs750872620, ClinGen allele CA3887197.